The following is an entry in ClinVar:

NM_000492.4(CFTR):c.3873+29G>C

Genes: CFTR (CF transmembrane conductance regulator; plus strand), CFTR-AS2 (CFTR antisense RNA 2; minus strand). Cytogenetic location: 7q31.2.
Variant type: single nucleotide variant.
Coding change: c.3873+29G>C on transcript NM_000492.4 (MANE Select); 29 bases into the intron after coding-DNA position 3873, G replaced by C.
Molecular consequence: intron variant.
Genome position (GRCh38, 1-based): chr7:117,642,622, G>C. VCF-style: chr7-117642622-G-C. GRCh37 (hg19) VCF-style: chr7-117282676-G-C.
Identifiers: ClinVar variation 3036785 (VCV003036785.2), dbSNP rs757672766, ClinGen allele CA4451567.
Genomic context (GRCh38, chr7:117,642,622, plus strand): 5'-AGTGGAGGAAAGCCTTTGGAGTGATACCACAGGTGAGCAAAAGGACTTAGCCAGAAAAAA[G>C]GCAACTAAATTATATTTTTTACTGCTATTTGATACTTGTACTCAAGAAATTCATATTACT-3'

ClinVar aggregate classification (germline): Likely benign (0 of 4 stars; one submission).

Conditions:
CFTR-related disorder (CFTR-RD). Also called: CFTR-related condition; CFTR-related disorders. Identifiers: MedGen C5924204, MONDO:7770004.

Allele frequency attached by ClinVar (database versions not stated): ExAC 0.00001; TOPMed 0.00001; gnomAD exomes 0.00001.
gnomAD v4.1: 10 of 1,609,956 alleles (0.00062%); highest among the groups gnomAD compares: Non-Finnish European, 0.00085%; no homozygotes.

Submission:

PreventionGenetics, part of Exact Sciences
Classification: Likely benign for CFTR-related condition. Last evaluated: 2023-02-17. Review status: no assertion criteria provided. Collection method: clinical testing. Allele origin: germline.
Comment: This variant is classified as likely benign based on ACMG/AMP sequence variant interpretation guidelines (Richards et al. 2015 PMID: 25741868, with internal and published modifications).